The following is an entry in ClinVar:

NM_004817.4(TJP2):c.1430C>A (p.Pro477His)

Gene: TJP2 (tight junction protein 2; plus strand). Cytogenetic location: 9q21.11.
Variant type: single nucleotide variant.
Coding change: c.1430C>A on transcript NM_004817.4 (MANE Select); coding-DNA position 1430, C replaced by A.
Protein change: p.Pro477His; replaces proline 477 with histidine.
Molecular consequence: missense variant.
Genome position (GRCh38, 1-based): chr9:69,228,091, C>A. VCF-style: chr9-69228091-C-A. GRCh37 (hg19) VCF-style: chr9-71843007-C-A.
Other names: c.1361C>A, p.Pro454His (NM_001170414.2, NM_001369871.1); c.1442C>A, p.Pro481His (NM_001170415.1, NM_001369874.1, NM_001369875.1); c.1523C>A, p.Pro508His (NM_001170416.2); c.1355C>A, p.Pro452His (NM_001369870.1); c.1430C>A, p.Pro477His (NM_001369872.1, NM_001369873.1, NM_201629.3); short protein forms P452H, P454H, P477H, P481H, P508H.
Identifiers: ClinVar variation 1204973 (VCV001204973.3), dbSNP rs1310545927, ClinGen allele CA373531461.

ClinVar aggregate classification (germline): Uncertain significance (1 of 4 stars; one submission).

Submission:

GeneDx
Classification: Uncertain significance. Last evaluated: 2020-01-30. Review status: criteria provided, single submitter. Criteria: GeneDx Variant Classification Process June 2021. Collection method: clinical testing. Allele origin: germline. Affected: yes.
Comment: Not observed in large population cohorts (Lek et al., 2016); In silico analysis, which includes protein predictors and evolutionary conservation, supports that this variant does not alter protein structure/function; Has not been previously published as pathogenic or benign to our knowledge